The following is an entry in ClinVar:

ClinVar aggregate classification (germline): Uncertain significance (1 of 4 stars; one submission).

gnomAD v4.1: 2 of 1,580,838 alleles (0.00013%); highest among the groups gnomAD compares: Admixed American, 0.0018%; no homozygotes.

Submission:

Labcorp Genetics (formerly Invitae), Labcorp
Classification: Uncertain significance. Last evaluated: 2025-04-11. Review status: criteria provided, single submitter. Criteria: Invitae Variant Classification Sherloc (09022015). Collection method: clinical testing. Allele origin: germline.
Comment: This sequence change replaces alanine, which is neutral and non-polar, with proline, which is neutral and non-polar, at codon 1048 of the RAI1 protein (p.Ala1048Pro). This variant is not present in population databases (gnomAD no frequency). This variant has not been reported in the literature in individuals affected with RAI1-related conditions. Invitae Evidence Modeling of protein sequence and biophysical properties (such as structural, functional, and spatial information, amino acid conservation, physicochemical variation, residue mobility, and thermodynamic stability) indicates that this missense variant is not expected to disrupt RAI1 protein function with a negative predictive value of 80%. In summary, the available evidence is currently insufficient to determine the role of this variant in disease. Therefore, it has been classified as a Variant of Uncertain Significance.

NM_030665.4(RAI1):c.3142G>C (p.Ala1048Pro)

Gene: RAI1 (retinoic acid induced 1; plus strand). Cytogenetic location: 17p11.2.
Variant type: single nucleotide variant.
Coding change: c.3142G>C on transcript NM_030665.4 (MANE Select); coding-DNA position 3142, G replaced by C.
Protein change: p.Ala1048Pro; replaces alanine 1048 with proline.
Molecular consequence: missense variant.
Genome position (GRCh38, 1-based): chr17:17,796,090, G>C. VCF-style: chr17-17796090-G-C. GRCh37 (hg19) VCF-style: chr17-17699404-G-C.
Other names: short protein forms A1048P.
Identifiers: ClinVar variation 4746205 (VCV004746205.1).